The following is an entry in ClinVar:

ClinVar aggregate classification (germline): Uncertain significance (1 of 4 stars; one submission).

Conditions:
Autosomal dominant nocturnal frontal lobe epilepsy 5. Also called: Epilepsy, nocturnal frontal lobe, 5; KCNT1-Related Epilepsy; CILIARY DYSKINESIA, PRIMARY, 28, WITHOUT SITUS INVERSUS; CILIARY DYSKINESIA, PRIMARY, 28, WITH SITUS INVERSUS. Identifiers: Orphanet 98784, MedGen C3554306, MONDO:0014002, OMIM 615005.
Developmental and epileptic encephalopathy, 14 (DEE14). Also called: Early infantile epileptic encephalopathy 14. Identifiers: Orphanet 293181, MedGen C3554195, MONDO:0013989, OMIM 614959.

Allele frequency attached by ClinVar (database versions not stated): gnomAD exomes below 0.00001.
gnomAD v4.1: 1 of 1,613,812 alleles (0.000062%); highest among the groups gnomAD compares: Middle Eastern, 0.016%; no homozygotes.

Submission:

Labcorp Genetics (formerly Invitae), Labcorp
Classification: Uncertain significance for Autosomal dominant nocturnal frontal lobe epilepsy 5; Developmental and epileptic encephalopathy, 14. Last evaluated: 2022-09-20. Review status: criteria provided, single submitter. Criteria: Invitae Variant Classification Sherloc (09022015). Collection method: clinical testing. Allele origin: germline.
Comment: This variant is not present in population databases (gnomAD no frequency). This sequence change replaces aspartic acid, which is acidic and polar, with glutamic acid, which is acidic and polar, at codon 878 of the KCNT1 protein (p.Asp878Glu). This variant has not been reported in the literature in individuals affected with KCNT1-related conditions. In summary, the available evidence is currently insufficient to determine the role of this variant in disease. Therefore, it has been classified as a Variant of Uncertain Significance. Advanced modeling of protein sequence and biophysical properties (such as structural, functional, and spatial information, amino acid conservation, physicochemical variation, residue mobility, and thermodynamic stability) performed at Invitae indicates that this missense variant is not expected to disrupt KCNT1 protein function.

NM_020822.3(KCNT1):c.2634C>A (p.Asp878Glu)

Gene: KCNT1 (potassium sodium-activated channel subfamily T member 1; plus strand). Cytogenetic location: 9q34.3.
Variant type: single nucleotide variant.
Coding change: c.2634C>A on transcript NM_020822.3 (MANE Select); coding-DNA position 2634, C replaced by A.
Protein change: p.Asp878Glu; replaces aspartic acid 878 with glutamic acid.
Molecular consequence: missense variant.
Genome position (GRCh38, 1-based): chr9:135,778,727, C>A. VCF-style: chr9-135778727-C-A. GRCh37 (hg19) VCF-style: chr9-138670573-C-A.
Other names: c.2499C>A, p.Asp833Glu (NM_001272003.2); short protein forms D878E, D833E.
Identifiers: ClinVar variation 2133354 (VCV002133354.4), dbSNP rs2491037441, ClinGen allele CA375514359.